The following is an entry in ClinVar:

NM_018192.4(P3H2):c.1822C>T (p.Leu608Phe)

Gene: P3H2 (prolyl 3-hydroxylase 2; minus strand). Cytogenetic location: 3q28.
Variant type: single nucleotide variant.
Coding change: c.1822C>T on transcript NM_018192.4 (MANE Select); coding-DNA position 1822, C replaced by T.
Protein change: p.Leu608Phe; replaces leucine 608 with phenylalanine.
Molecular consequence: missense variant.
Genome position (GRCh38, 1-based): chr3:189,970,887, G>A on the plus strand (C>T on the coding strand, the complement: P3H2 is on the minus strand). VCF-style: chr3-189970887-G-A. GRCh37 (hg19) VCF-style: chr3-189688676-G-A.
Other names: c.1279C>T, p.Leu427Phe (NM_001134418.2); short protein forms L427F, L608F.
Identifiers: ClinVar variation 2149743 (VCV002149743.2), dbSNP rs368494797, ClinGen allele CA89720051.

ClinVar aggregate classification (germline): Uncertain significance (1 of 4 stars; one submission).

Allele frequency attached by ClinVar (database versions not stated): TOPMed 0.00001; gnomAD exomes 0.00002; ESP Exome Variant Server 0.00015.
gnomAD v4.1: 28 of 1,537,812 alleles (0.0018%); highest among the groups gnomAD compares: Non-Finnish European, 0.0025%; no homozygotes.

Submission:

Labcorp Genetics (formerly Invitae), Labcorp
Classification: Uncertain significance. Last evaluated: 2023-08-10. Review status: criteria provided, single submitter. Criteria: Invitae Variant Classification Sherloc (09022015). Collection method: clinical testing. Allele origin: germline.
Comment: ClinVar contains an entry for this variant (Variation ID: 2149743). This variant has not been reported in the literature in individuals affected with P3H2-related conditions. This variant is not present in population databases (gnomAD no frequency). This sequence change replaces leucine, which is neutral and non-polar, with phenylalanine, which is neutral and non-polar, at codon 608 of the P3H2 protein (p.Leu608Phe). Advanced modeling of protein sequence and biophysical properties (such as structural, functional, and spatial information, amino acid conservation, physicochemical variation, residue mobility, and thermodynamic stability) performed at Invitae indicates that this missense variant is expected to disrupt P3H2 protein function. In summary, the available evidence is currently insufficient to determine the role of this variant in disease. Therefore, it has been classified as a Variant of Uncertain Significance.